The following is an entry in ClinVar:

ClinVar aggregate classification (germline): Uncertain significance. Review status: criteria provided, multiple submitters, no conflicts (2 of 4 stars). 2 submissions from 2 submitters: Uncertain significance (2). Last evaluated 2024-04-30.

Allele frequency attached by ClinVar (database versions not stated): gnomAD exomes 0.00002; ExAC 0.00007; ESP Exome Variant Server 0.00008; gnomAD 0.00016; TOPMed 0.00020; 1000 Genomes Project 0.00040; 1000 Genomes Project 30x 0.00047.
gnomAD v4.1: 48 of 1,612,998 alleles (0.003%); highest among the groups gnomAD compares: African/African-American, 0.053%; no homozygotes.

Submissions (2):

Labcorp Genetics (formerly Invitae), Labcorp
Classification: Uncertain significance. Last evaluated: 2024-04-30. Review status: criteria provided, single submitter. Criteria: Invitae Variant Classification Sherloc (09022015). Collection method: clinical testing. Allele origin: germline.
Comment: This sequence change replaces leucine, which is neutral and non-polar, with phenylalanine, which is neutral and non-polar, at codon 744 of the NFATC1 protein (p.Leu744Phe). This variant is present in population databases (rs371946339, gnomAD 0.08%), and has an allele count higher than expected for a pathogenic variant. This variant has not been reported in the literature in individuals affected with NFATC1-related conditions. An algorithm developed to predict the effect of missense changes on protein structure and function (PolyPhen-2) suggests that this variant is likely to be disruptive. In summary, the available evidence is currently insufficient to determine the role of this variant in disease. Therefore, it has been classified as a Variant of Uncertain Significance.

Ambry Genetics
Classification: Uncertain significance. Last evaluated: 2024-01-23. Review status: criteria provided, single submitter. Criteria: Ambry Variant Classification Scheme 2023. Collection method: clinical testing. Allele origin: germline.

NM_001278669.2(NFATC1):c.2230C>T (p.Leu744Phe)

Gene: NFATC1 (nuclear factor of activated T cells 1; plus strand). Cytogenetic location: 18q23.
Variant type: single nucleotide variant.
Coding change: c.2230C>T on transcript NM_001278669.2 (MANE Select); coding-DNA position 2230, C replaced by T.
Protein change: p.Leu744Phe; replaces leucine 744 with phenylalanine.
Molecular consequence: missense variant. On other transcripts: intron variant (2).
Genome position (GRCh38, 1-based): chr18:79,486,385, C>T. VCF-style: chr18-79486385-C-T. GRCh37 (hg19) VCF-style: chr18-77246385-C-T.
Other names: c.814C>T, p.Leu272Phe (NM_001278673.2, NM_172388.3); c.2230C>T, p.Leu744Phe (NM_006162.5); c.2191C>T, p.Leu731Phe (NM_172387.3, NM_172389.3); c.2092+18803C>T (NM_001278670.2); c.2053+18803C>T (NM_001278672.2); short protein forms L272F, L744F, L731F.
Identifiers: ClinVar variation 3196323 (VCV003196323.3), dbSNP rs371946339, ClinGen allele CA9009566.